The following is an entry in ClinVar:

NC_000002.11:g.(?_50733613)_(51153113_?)del

Gene: NRXN1 (neurexin 1; minus strand). Cytogenetic location: 2p16.3.
Variant type: Deletion.
Identifiers: ClinVar variation 3247386 (VCV003247386.1).

ClinVar aggregate classification (germline): Uncertain significance (1 of 4 stars; one submission).

Conditions:
Pitt-Hopkins-like syndrome 2 (PTHSL2). Identifiers: Orphanet 221150, Orphanet 600663, MedGen C3280479, MONDO:0013690, OMIM 614325.

Submission:

Labcorp Genetics (formerly Invitae), Labcorp
Classification: Uncertain significance for Pitt-Hopkins-like syndrome 2. Last evaluated: 2023-11-10. Review status: criteria provided, single submitter. Criteria: Invitae Variant Classification Sherloc (09022015). Collection method: clinical testing. Allele origin: unknown.
Comment: This variant is a gross deletion of the genomic region encompassing exon(s) 4-14 of the NRXN1 gene. This variant would be expected to be in-frame, preserving the integrity of the reading frame. This variant has not been reported in the literature in individuals affected with NRXN1-related conditions. Experimental studies and prediction algorithms are not available or were not evaluated, and the functional significance of this variant is currently unknown. In summary, the available evidence is currently insufficient to determine the role of this variant in disease. Therefore, it has been classified as a Variant of Uncertain Significance.